The following is an entry in ClinVar:

ClinVar aggregate classification (germline): Uncertain significance (1 of 4 stars; one submission).

Allele frequency attached by ClinVar (database versions not stated): ExAC 0.00001; gnomAD exomes 0.00001; TOPMed 0.00002; gnomAD 0.00004; 1000 Genomes Project 30x 0.00016; 1000 Genomes Project 0.00020.
gnomAD v4.1: 13 of 1,614,038 alleles (0.00081%); highest among the groups gnomAD compares: African/African-American, 0.016%; no homozygotes.

Submission:

Labcorp Genetics (formerly Invitae), Labcorp
Classification: Uncertain significance. Last evaluated: 2023-07-17. Review status: criteria provided, single submitter. Criteria: Invitae Variant Classification Sherloc (09022015). Collection method: clinical testing. Allele origin: germline.
Comment: In summary, the available evidence is currently insufficient to determine the role of this variant in disease. Therefore, it has been classified as a Variant of Uncertain Significance. Advanced modeling of protein sequence and biophysical properties (such as structural, functional, and spatial information, amino acid conservation, physicochemical variation, residue mobility, and thermodynamic stability) performed at Invitae indicates that this missense variant is not expected to disrupt TRRAP protein function. This variant has not been reported in the literature in individuals affected with TRRAP-related conditions. This variant is present in population databases (rs537483764, gnomAD 0.007%). This sequence change replaces alanine, which is neutral and non-polar, with threonine, which is neutral and polar, at codon 2933 of the TRRAP protein (p.Ala2933Thr).

NM_001375524.1(TRRAP):c.8872G>A (p.Ala2958Thr)

Gene: TRRAP (transformation/transcription domain associated protein; plus strand). Cytogenetic location: 7q22.1.
Variant type: single nucleotide variant.
Coding change: c.8872G>A on transcript NM_001375524.1 (MANE Select); coding-DNA position 8872, G replaced by A.
Protein change: p.Ala2958Thr; replaces alanine 2958 with threonine.
Molecular consequence: missense variant.
Genome position (GRCh38, 1-based): chr7:98,983,309, G>A. VCF-style: chr7-98983309-G-A. GRCh37 (hg19) VCF-style: chr7-98580932-G-A.
Other names: c.8797G>A, p.Ala2933Thr (NM_003496.4); c.8851G>A, p.Ala2951Thr (NM_001244580.2); short protein forms A2933T, A2951T, A2958T.
Identifiers: ClinVar variation 3019177 (VCV003019177.3), dbSNP rs537483764, ClinGen allele CA4361576.